The following is an entry in ClinVar:

NM_022124.6(CDH23):c.8957T>C (p.Ile2986Thr)

Gene: CDH23 (cadherin related 23; plus strand). Cytogenetic location: 10q22.1.
Variant type: single nucleotide variant.
Coding change: c.8957T>C on transcript NM_022124.6 (MANE Select); coding-DNA position 8957, T replaced by C.
Protein change: p.Ile2986Thr; replaces isoleucine 2986 with threonine.
Molecular consequence: missense variant.
Genome position (GRCh38, 1-based): chr10:71,810,054, T>C. VCF-style: chr10-71810054-T-C. GRCh37 (hg19) VCF-style: chr10-73569811-T-C.
Other names: c.2237T>C, p.Ile746Thr (NM_001171933.1, NM_001171934.1); short protein forms I2986T, I746T.
Identifiers: ClinVar variation 990959 (VCV000990959.8), dbSNP rs753997469, ClinGen allele CA5546798.

ClinVar aggregate classification (germline): Uncertain significance. Review status: criteria provided, multiple submitters, no conflicts (2 of 4 stars). 3 submissions from 3 submitters: Uncertain significance (2). 1 of the submissions does not count toward it. Last evaluated 2022-06-20.

Conditions:
Usher syndrome type 1 (USH1). Also called: RETINITIS PIGMENTOSA AND CONGENITAL DEAFNESS. Identifiers: Orphanet 231169, Orphanet 886, MedGen C1568247, MONDO:0010168, OMIM 276900.
Pituitary adenoma 5, multiple types. Identifiers: MedGen C4539685, MONDO:0054601, OMIM 617540.
Usher syndrome type 1D (USH1D). Also called: USHER SYNDROME, TYPE ID. Identifiers: Orphanet 231169, Orphanet 886, MedGen C1832845, MONDO:0010984, OMIM 601067.
Autosomal recessive nonsyndromic hearing loss 12. Also called: DEAFNESS, AUTOSOMAL RECESSIVE 12. Identifiers: Orphanet 90636, MedGen C1832394, MONDO:0011067, OMIM 601386.

Allele frequency attached by ClinVar (database versions not stated): ExAC 0.00001; gnomAD exomes 0.00001 and 0.00002.
gnomAD v4.1: 23 of 1,612,456 alleles (0.0014%); highest among the groups gnomAD compares: South Asian, 0.0099%; 1 homozygote.

Submissions (3):

Labcorp Genetics (formerly Invitae), Labcorp
Classification: Uncertain significance. Last evaluated: 2022-06-20. Review status: criteria provided, single submitter. Criteria: Invitae Variant Classification Sherloc (09022015). Collection method: clinical testing. Allele origin: germline.
Comment: This sequence change replaces isoleucine, which is neutral and non-polar, with threonine, which is neutral and polar, at codon 2986 of the CDH23 protein (p.Ile2986Thr). This variant is present in population databases (rs753997469, gnomAD 0.007%). This variant has not been reported in the literature in individuals affected with CDH23-related conditions. ClinVar contains an entry for this variant (Variation ID: 990959). Algorithms developed to predict the effect of missense changes on protein structure and function are either unavailable or do not agree on the potential impact of this missense change (SIFT: "Deleterious"; PolyPhen-2: "Not Available"; Align-GVGD: "Class C0"). In summary, the available evidence is currently insufficient to determine the role of this variant in disease. Therefore, it has been classified as a Variant of Uncertain Significance.

Fulgent Genetics
Classification: Uncertain significance for Usher syndrome type 1D; Autosomal recessive nonsyndromic hearing loss 12; Pituitary adenoma 5, multiple types. Last evaluated: 2021-09-08. Review status: criteria provided, single submitter. Criteria: ACMG Guidelines, 2015. Collection method: clinical testing. Allele origin: unknown.

Natera, Inc.
Classification: Uncertain significance for Usher syndrome type 1. Last evaluated: 2020-04-17. Review status: no assertion criteria provided. Collection method: clinical testing. Allele origin: germline. Not counted in ClinVar's aggregate classification.